The following is an entry in ClinVar:

ClinVar aggregate classification (germline): Uncertain significance (1 of 4 stars; one submission).

Conditions:
Hereditary spastic paraplegia 53. Also called: Spastic paraplegia 53, autosomal recessive. Identifiers: Orphanet 319199, MedGen C3539494, MONDO:0013962, OMIM 614898.

Allele frequency attached by ClinVar (database versions not stated): gnomAD exomes below 0.00001.
gnomAD v4.1: 2 of 1,583,360 alleles (0.00013%); highest among the groups gnomAD compares: Non-Finnish European, 0.00017%; no homozygotes.

Submission:

Labcorp Genetics (formerly Invitae), Labcorp
Classification: Uncertain significance for Spastic paraplegia 53, autosomal recessive. Last evaluated: 2019-06-27. Review status: criteria provided, single submitter. Criteria: Invitae Variant Classification Sherloc (09022015). Collection method: clinical testing. Allele origin: germline.
Comment: This sequence change falls in intron 4 of the VPS37A gene. It does not directly change the encoded amino acid sequence of the VPS37A protein, but it affects a nucleotide within the consensus splice site of the intron. This variant is not present in population databases (ExAC no frequency). This variant has not been reported in the literature in individuals with VPS37A-related conditions. Nucleotide substitutions within the consensus splice site are a relatively common cause of aberrant splicing (PMID: 17576681, 9536098). Algorithms developed to predict the effect of sequence changes on RNA splicing suggest that this variant may disrupt the consensus splice site, but this prediction has not been confirmed by published transcriptional studies. In summary, the available evidence is currently insufficient to determine the role of this variant in disease. Therefore, it has been classified as a Variant of Uncertain Significance.

NM_152415.3(VPS37A):c.416+3A>G

Gene: VPS37A (VPS37A subunit of ESCRT-I; plus strand). Cytogenetic location: 8p22.
Variant type: single nucleotide variant.
Coding change: c.416+3A>G on transcript NM_152415.3 (MANE Select); 3 bases into the intron after coding-DNA position 416, A replaced by G.
Molecular consequence: intron variant.
Genome position (GRCh38, 1-based): chr8:17,268,959, A>G. VCF-style: chr8-17268959-A-G. GRCh37 (hg19) VCF-style: chr8-17126468-A-G.
Other names: c.146+3A>G (NM_001363172.2, NM_001363168.1, NM_001363170.1 and 2 more transcripts); c.416+3A>G (NM_001363173.2, NM_001363167.1); c.341+3A>G (NM_001145152.2).
Identifiers: ClinVar variation 951685 (VCV000951685.1), dbSNP rs1813723711, ClinGen allele CA1139660382.